The following is an entry in ClinVar:

ClinVar aggregate classification (germline): Uncertain significance (1 of 4 stars; one submission).

Allele frequency attached by ClinVar (database versions not stated): TOPMed 0.00002.

Submission:

Labcorp Genetics (formerly Invitae), Labcorp
Classification: Uncertain significance. Last evaluated: 2025-09-14. Review status: criteria provided, single submitter. Criteria: Invitae Variant Classification Sherloc (09022015). Collection method: clinical testing. Allele origin: germline.
Comment: This sequence change replaces alanine, which is neutral and non-polar, with proline, which is neutral and non-polar, at codon 1057 of the GRIN2D protein (p.Ala1057Pro). The frequency data for this variant in the population databases is considered unreliable, as metrics indicate insufficient coverage at this position in the gnomAD database. This variant has not been reported in the literature in individuals affected with GRIN2D-related conditions. ClinVar contains an entry for this variant (Variation ID: 1974590). Invitae Evidence Modeling of protein sequence and biophysical properties (such as structural, functional, and spatial information, amino acid conservation, physicochemical variation, residue mobility, and thermodynamic stability) indicates that this missense variant is not expected to disrupt GRIN2D protein function with a negative predictive value of 95%. In summary, the available evidence is currently insufficient to determine the role of this variant in disease. Therefore, it has been classified as a Variant of Uncertain Significance.

NM_000836.4(GRIN2D):c.3169G>C (p.Ala1057Pro)

Gene: GRIN2D (glutamate ionotropic receptor NMDA type subunit 2D; plus strand). Cytogenetic location: 19q13.33.
Variant type: single nucleotide variant.
Coding change: c.3169G>C on transcript NM_000836.4 (MANE Select); coding-DNA position 3169, G replaced by C.
Protein change: p.Ala1057Pro; replaces alanine 1057 with proline.
Molecular consequence: missense variant.
Genome position (GRCh38, 1-based): chr19:48,443,095, G>C. VCF-style: chr19-48443095-G-C. GRCh37 (hg19) VCF-style: chr19-48946352-G-C.
Other names: short protein forms A1057P.
Identifiers: ClinVar variation 1974590 (VCV001974590.5), dbSNP rs1487190401, ClinGen allele CA406675022.
Genomic context (GRCh38, chr19:48,443,095, plus strand): 5'-GCGGCCACCGCCGTCGGGCCGCCACTCTGCCGCTTGGCCTTCGAGGACGAGAGCCCGCCG[G>C]CGCCCGCGCGGTGGCCGCGCTCGGACCCCGAGAGCCAACCCCTGCTGGGGCCAGGCGCGG-3'
Protein context (NP_000827.2, residues 1047-1067): RLAFEDESPP[Ala1057Pro]PARWPRSDPE